The following is an entry in ClinVar:

NM_152493.3(ZNF362):c.1233C>T (p.Pro411=)

Gene: ZNF362 (zinc finger protein 362; plus strand). Cytogenetic location: 1p35.1.
Variant type: single nucleotide variant.
Coding change: c.1233C>T on transcript NM_152493.3 (MANE Select); coding-DNA position 1233, C replaced by T.
Protein change: p.Pro411=; no amino-acid change (proline 411 retained).
Molecular consequence: synonymous variant.
Genome position (GRCh38, 1-based): chr1:33,299,016, C>T. VCF-style: chr1-33299016-C-T. GRCh37 (hg19) VCF-style: chr1-33764617-C-T.
Other names: c.1233C>T, p.Pro411= (NM_001370212.1).
Identifiers: ClinVar variation 2638618 (VCV002638618.24), dbSNP rs55887741, ClinGen allele CA748627.

ClinVar aggregate classification (germline): Likely benign (1 of 4 stars; one submission).

Allele frequency attached by ClinVar (database versions not stated): 1000 Genomes Project 0.00140; 1000 Genomes Project 30x 0.00172; gnomAD 0.00463; ESP Exome Variant Server 0.00638; gnomAD exomes 0.00689.
gnomAD v4.1: 10,621 of 1,611,584 alleles (0.66%); highest among the groups gnomAD compares: Non-Finnish European, 0.84%; 55 homozygotes.

Submission:

CeGaT Center for Human Genetics Tuebingen
Classification: Likely benign. Last evaluated: 2022-05-01. Review status: criteria provided, single submitter. Criteria: CeGaT Center For Human Genetics Tuebingen Variant Classification Criteria Version 2. Collection method: clinical testing. Allele origin: germline. Affected: yes. Observed: 1 variant allele.
Comment: ZNF362: BP4, BP7